The following is an entry in ClinVar:

NM_133444.3(ZNF526):c.514C>A (p.Pro172Thr)

Gene: ZNF526 (zinc finger protein 526; plus strand). Cytogenetic location: 19q13.2.
Variant type: single nucleotide variant.
Coding change: c.514C>A on transcript NM_133444.3 (MANE Select); coding-DNA position 514, C replaced by A.
Protein change: p.Pro172Thr; replaces proline 172 with threonine.
Molecular consequence: missense variant.
Genome position (GRCh38, 1-based): chr19:42,224,917, C>A. VCF-style: chr19-42224917-C-A. GRCh37 (hg19) VCF-style: chr19-42729069-C-A.
Other names: c.514C>A, p.Pro172Thr (NM_001314033.3); short protein forms P172T.
Identifiers: ClinVar variation 1722893 (VCV001722893.4), dbSNP rs143231579, ClinGen allele CA9470395.
Genomic context (GRCh38, chr19:42,224,917, plus strand): 5'-CCCGAGCTGTGGGTGGCTCATCGAAAGGCCCAGCACCTTTCTGCTACGGTAGCTGAGCCA[C>A]CAGTGCCACCTCCTTTGCCTCCCCCAACACCACTGCCTCCACCTTCTCCCCCATCCGAAG-3'
Protein context (NP_597701.1, residues 162-182): QHLSATVAEP[Pro172Thr]VPPPLPPPTP

ClinVar aggregate classification (germline): Uncertain significance. Review status: criteria provided, multiple submitters, no conflicts (2 of 4 stars). 2 submissions from 2 submitters: Uncertain significance (2). Last evaluated 2025-04-15.

Conditions:
Inborn genetic diseases. Identifiers: MedGen C0950123, MeSH D030342.

Allele frequency attached by ClinVar (database versions not stated): 1000 Genomes Project 0.00020; 1000 Genomes Project 30x 0.00031; gnomAD 0.00007; ExAC 0.00007; gnomAD exomes 0.00010; TOPMed 0.00010; ESP Exome Variant Server 0.00023.
gnomAD v4.1: 168 of 1,614,188 alleles (0.01%); highest among the groups gnomAD compares: Middle Eastern, 0.16%; 2 homozygotes.

Submissions (2):

Ambry Genetics
Classification: Uncertain significance for Inborn genetic diseases. Last evaluated: 2025-04-15. Review status: criteria provided, single submitter. Criteria: Ambry Variant Classification Scheme 2023. Collection method: clinical testing. Allele origin: germline.

GeneDx
Classification: Uncertain significance. Last evaluated: 2022-05-02. Review status: criteria provided, single submitter. Criteria: GeneDx Variant Classification Process June 2021. Collection method: clinical testing. Allele origin: germline. Affected: yes.
Comment: In silico analysis supports that this missense variant does not alter protein structure/function; Has not been previously published as pathogenic or benign to our knowledge